The following is an entry in ClinVar:

NM_007194.4(CHEK2):c.792A>C (p.Ala264=)

Gene: CHEK2 (checkpoint kinase 2; minus strand). Cytogenetic location: 22q12.1.
Variant type: single nucleotide variant.
Coding change: c.792A>C on transcript NM_007194.4 (MANE Select); coding-DNA position 792, A replaced by C.
Protein change: p.Ala264=; no amino-acid change (alanine 264 retained).
Molecular consequence: synonymous variant.
Genome position (GRCh38, 1-based): chr22:28,711,909, T>G on the plus strand (A>C on the coding strand, the complement: CHEK2 is on the minus strand). VCF-style: chr22-28711909-T-G. GRCh37 (hg19) VCF-style: chr22-29107897-T-G.
Other names: c.921A>C, p.Ala307= (NM_001005735.3); c.129A>C, p.Ala43= (NM_001257387.3); c.591A>C, p.Ala197= (NM_001349956.3); c.792A>C, p.Ala264= (NM_145862.3).
Identifiers: ClinVar variation 3772876 (VCV003772876.1).

ClinVar aggregate classification (germline): Benign (1 of 4 stars; one submission).

Conditions:
Familial cancer of breast. Also called: Hereditary breast cancer; BREAST CANCER, FAMILIAL; hereditary breast carcinoma. Identifiers: Orphanet 227535, MedGen C0346153, MONDO:0016419, OMIM 114480. Disease mechanism: loss of function.

Submission:

Myriad Genetics, Inc.
Classification: Benign for Familial cancer of breast. Last evaluated: 2024-10-03. Review status: criteria provided, single submitter. Criteria: Myriad Autosomal Dominant, Autosomal Recessive and X-Linked Classification Criteria (2023). Collection method: clinical testing. Allele origin: unknown.
Comment: This variant is considered benign. This variant is a silent/synonymous amino acid change and it is not expected to impact splicing.